The following is an entry in ClinVar:

NM_000112.4(SLC26A2):c.1439A>G (p.Lys480Arg)

Gene: SLC26A2 (solute carrier family 26 member 2; plus strand). Cytogenetic location: 5q32.
Variant type: single nucleotide variant.
Coding change: c.1439A>G on transcript NM_000112.4 (MANE Select); coding-DNA position 1439, A replaced by G.
Protein change: p.Lys480Arg; replaces lysine 480 with arginine.
Molecular consequence: missense variant.
Genome position (GRCh38, 1-based): chr5:149,981,032, A>G. VCF-style: chr5-149981032-A-G. GRCh37 (hg19) VCF-style: chr5-149360595-A-G.
Other names: short protein forms K480R.
Identifiers: ClinVar variation 2149165 (VCV002149165.4), dbSNP rs756610256, ClinGen allele CA3505440.

ClinVar aggregate classification (germline): Uncertain significance (1 of 4 stars; one submission).

Conditions:
Achondrogenesis, type IB (ACG1B). Also called: Achondrogenesis Type 1B. Identifiers: Orphanet 932, Orphanet 93298, MedGen C0265274, MONDO:0010966, OMIM 600972.
Multiple epiphyseal dysplasia type 4 (EDM4). Also called: SLC26A2-Related Multiple Epiphyseal Dysplasia; Multiple Epiphyseal Dysplasia, Recessive; MULTIPLE EPIPHYSEAL DYSPLASIA WITH BILAYERED PATELLAE; MULTIPLE EPIPHYSEAL DYSPLASIA WITH CLUBFOOT; MULTIPLE EPIPHYSEAL DYSPLASIA, AUTOSOMAL RECESSIVE. Identifiers: Orphanet 93307, MedGen C1847593, MONDO:0009189, OMIM 226900.
Atelosteogenesis type II (AO2). Also called: Neonatal osseous dysplasia 1; SLC26A2-Related Atelosteogenesis; NEONATAL OSSEOUS DYSPLASIA I. Identifiers: Orphanet 56304, MedGen C1850554, MONDO:0009727, OMIM 256050.
Diastrophic dysplasia (DTD). Also called: Diastrophic dwarfism. Identifiers: Orphanet 628, MedGen C0220726, MONDO:0009107, OMIM 222600.

Allele frequency attached by ClinVar (database versions not stated): ExAC 0.00001; gnomAD exomes 0.00001.
gnomAD v4.1: 3 of 1,614,118 alleles (0.00019%); highest among the groups gnomAD compares: Non-Finnish European, 0.00025%; no homozygotes.

Submission:

Labcorp Genetics (formerly Invitae), Labcorp
Classification: Uncertain significance for Atelosteogenesis type II; Multiple epiphyseal dysplasia type 4; Achondrogenesis, type IB; Diastrophic dysplasia. Last evaluated: 2025-02-04. Review status: criteria provided, single submitter. Criteria: Invitae Variant Classification Sherloc (09022015). Collection method: clinical testing. Allele origin: germline.
Comment: This sequence change replaces lysine, which is basic and polar, with arginine, which is basic and polar, at codon 480 of the SLC26A2 protein (p.Lys480Arg). This variant is present in population databases (rs756610256, gnomAD 0.0009%). This variant has not been reported in the literature in individuals affected with SLC26A2-related conditions. ClinVar contains an entry for this variant (Variation ID: 2149165). Invitae Evidence Modeling of protein sequence and biophysical properties (such as structural, functional, and spatial information, amino acid conservation, physicochemical variation, residue mobility, and thermodynamic stability) indicates that this missense variant is not expected to disrupt SLC26A2 protein function with a negative predictive value of 80%. In summary, the available evidence is currently insufficient to determine the role of this variant in disease. Therefore, it has been classified as a Variant of Uncertain Significance.